The following is an entry in ClinVar:

NM_205861.3(DHDDS):c.776A>G (p.Asp259Gly)

Gene: DHDDS (dehydrodolichyl diphosphate synthase subunit; plus strand). Cytogenetic location: 1p36.11.
Variant type: single nucleotide variant.
Coding change: c.776A>G on transcript NM_205861.3 (MANE Select); coding-DNA position 776, A replaced by G.
Protein change: p.Asp259Gly; replaces aspartic acid 259 with glycine.
Molecular consequence: missense variant.
Genome position (GRCh38, 1-based): chr1:26,468,905, A>G. VCF-style: chr1-26468905-A-G. GRCh37 (hg19) VCF-style: chr1-26795396-A-G.
Other names: c.674A>G, p.Asp225Gly (NM_001243564.2); c.659A>G, p.Asp220Gly (NM_001243565.2); c.497A>G, p.Asp166Gly (NM_001319959.2); c.779A>G, p.Asp260Gly (NM_024887.4); short protein forms D166G, D259G, D260G, D220G, D225G.
Identifiers: ClinVar variation 2105660 (VCV002105660.4), dbSNP rs2524813967, ClinGen allele CA339145519.

ClinVar aggregate classification (germline): Uncertain significance (1 of 4 stars; one submission).

Conditions:
Retinitis pigmentosa 59 (RP59). Identifiers: Orphanet 791, MedGen C3151227, MONDO:0013468, OMIM 613861.

Submission:

Labcorp Genetics (formerly Invitae), Labcorp
Classification: Uncertain significance for Retinitis pigmentosa 59. Last evaluated: 2024-10-23. Review status: criteria provided, single submitter. Criteria: Invitae Variant Classification Sherloc (09022015). Collection method: clinical testing. Allele origin: germline.
Comment: This sequence change replaces aspartic acid, which is acidic and polar, with glycine, which is neutral and non-polar, at codon 260 of the DHDDS protein (p.Asp260Gly). This variant is not present in population databases (gnomAD no frequency). This variant has not been reported in the literature in individuals affected with DHDDS-related conditions. ClinVar contains an entry for this variant (Variation ID: 2105660). An algorithm developed to predict the effect of missense changes on protein structure and function (PolyPhen-2) suggests that this variant is likely to be tolerated. In summary, the available evidence is currently insufficient to determine the role of this variant in disease. Therefore, it has been classified as a Variant of Uncertain Significance.